The following is an entry in ClinVar:

ClinVar aggregate classification (germline): Conflicting classifications of pathogenicity. Review status: criteria provided, conflicting classifications (1 of 4 stars). 4 submissions from 4 submitters: Uncertain significance (3); Likely benign (1). Last evaluated 2025-06-14.

Conditions:
Cohen syndrome (COH1). Also called: PEPPER SYNDROME; Cutis verticis gyrata, retinitis pigmentosa, and sensorineural deafness. Identifiers: Orphanet 193, MedGen C0265223, MONDO:0008999, OMIM 216550.
Inborn genetic diseases. Identifiers: MedGen C0950123, MeSH D030342.
VPS13B-related disorder. Also called: VPS13B-related condition.

Allele frequency attached by ClinVar (database versions not stated): gnomAD exomes below 0.00001.
gnomAD v4.1: 1 of 1,613,178 alleles (0.000062%); highest among the groups gnomAD compares: Admixed American, 0.0017%; no homozygotes.

Submissions (4):

Labcorp Genetics (formerly Invitae), Labcorp
Classification: Uncertain significance for Cohen syndrome. Last evaluated: 2025-06-14. Review status: criteria provided, single submitter. Criteria: Invitae Variant Classification Sherloc (09022015). Collection method: clinical testing. Allele origin: germline.
Comment: This sequence change replaces threonine, which is neutral and polar, with alanine, which is neutral and non-polar, at codon 553 of the VPS13B protein (p.Thr553Ala). This variant is not present in population databases (gnomAD no frequency). This variant has not been reported in the literature in individuals affected with VPS13B-related conditions. ClinVar contains an entry for this variant (Variation ID: 1325585). An algorithm developed to predict the effect of missense changes on protein structure and function outputs the following: PolyPhen-2: "Benign". The alanine amino acid residue is found in multiple mammalian species, which suggests that this missense change does not adversely affect protein function. In summary, the available evidence is currently insufficient to determine the role of this variant in disease. Therefore, it has been classified as a Variant of Uncertain Significance.

PreventionGenetics, part of Exact Sciences
Classification: Uncertain significance for VPS13B-related condition. Last evaluated: 2024-10-17. Review status: criteria provided, single submitter. Criteria: ACMG Guidelines, 2015. Collection method: clinical testing. Allele origin: germline.
Comment: The VPS13B c.1657A>G variant is predicted to result in the amino acid substitution p.Thr553Ala. To our knowledge, this variant has not been reported in the literature or in a large population database (gnomAD), indicating this variant is rare. At this time, the clinical significance of this variant is uncertain due to the absence of conclusive functional and genetic evidence.

Ambry Genetics
Classification: Likely benign for Inborn genetic diseases. Last evaluated: 2024-01-12. Review status: criteria provided, single submitter. Criteria: Ambry Variant Classification Scheme 2023. Collection method: clinical testing. Allele origin: germline.

New York Genome Center
Classification: Uncertain significance for Cohen syndrome. Last evaluated: 2020-04-30. Review status: criteria provided, single submitter. Criteria: NYGC Assertion Criteria 2020. Collection method: clinical testing. Allele origin: germline. Observed: 1 heterozygote. Study: CSER-NYCKidSeq.

NM_152564.5(VPS13B):c.1657A>G (p.Thr553Ala)

Gene: VPS13B (vacuolar protein sorting 13 homolog B; plus strand). Cytogenetic location: 8q22.2.
Variant type: single nucleotide variant.
Coding change: c.1657A>G on transcript NM_152564.5 (MANE Select); coding-DNA position 1657, A replaced by G.
Protein change: p.Thr553Ala; replaces threonine 553 with alanine.
Molecular consequence: missense variant.
Genome position (GRCh38, 1-based): chr8:99,142,979, A>G. VCF-style: chr8-99142979-A-G. GRCh37 (hg19) VCF-style: chr8-100155207-A-G.
Other names: c.1657A>G, p.Thr553Ala (NM_015243.3, NM_017890.5); c.1657A>G (NM_152564.4, NM_017890.3); short protein forms T553A.
Identifiers: ClinVar variation 1325585 (VCV001325585.6), dbSNP rs2132580942, ClinGen allele CA371863792.